The following is an entry in ClinVar:

NM_020975.6(RET):c.2471C>A (p.Pro824His)

Gene: RET (ret proto-oncogene; plus strand). Cytogenetic location: 10q11.21.
Variant type: single nucleotide variant.
Coding change: c.2471C>A on transcript NM_020975.6 (MANE Select); coding-DNA position 2471, C replaced by A.
Protein change: p.Pro824His; replaces proline 824 with histidine.
Molecular consequence: missense variant.
Genome position (GRCh38, 1-based): chr10:43,119,609, C>A. VCF-style: chr10-43119609-C-A. GRCh37 (hg19) VCF-style: chr10-43615057-C-A.
Other names: c.1445C>A, p.Pro482His (NM_001406786.1, NM_001406783.1); c.1439C>A, p.Pro480His (NM_001406787.1); c.1286C>A, p.Pro429His (NM_001406788.1, NM_001406789.1, NM_001406790.1); c.1166C>A, p.Pro389His (NM_001406791.1); c.1022C>A, p.Pro341His (NM_001406792.1, NM_001406793.1, NM_001406794.1); c.2471C>A, p.Pro824His (NM_020629.2, NM_020630.7, NM_000323.2 and 4 more transcripts); c.1709C>A, p.Pro570His (NM_001355216.2); c.2342C>A, p.Pro781His (NM_001406761.1, NM_001406762.1, NM_001406764.1); and 10 more; short protein forms P341H, P389H, P429H, P482H, P570H, P582H, P692H, P485H.
Identifiers: ClinVar variation 1791786 (VCV001791786.2), dbSNP rs2132945511, ClinGen allele CA376556297.

ClinVar aggregate classification (germline): Uncertain significance (1 of 4 stars; one submission).

Conditions:
Hereditary cancer-predisposing syndrome. Also called: Hereditary Cancer Syndrome; Hereditary neoplastic syndrome; Tumor predisposition; Neoplastic Syndromes, Hereditary. Identifiers: Orphanet 140162, MedGen C0027672, MeSH D009386, MONDO:0015356.

Submission:

Ambry Genetics
Classification: Uncertain significance for Hereditary cancer-predisposing syndrome. Last evaluated: 2021-09-14. Review status: criteria provided, single submitter. Criteria: Ambry Variant Classification Scheme 2023. Collection method: clinical testing. Allele origin: germline.
Comment: The p.P824H variant (also known as c.2471C>A), located in coding exon 14 of the RET gene, results from a C to A substitution at nucleotide position 2471. The proline at codon 824 is replaced by histidine, an amino acid with similar properties. This amino acid position is well conserved in available vertebrate species. In addition, the in silico prediction for this alteration is inconclusive. Since supporting evidence is limited at this time, the clinical significance of this alteration remains unclear.